The following is an entry in ClinVar:

ClinVar aggregate classification (germline): Uncertain significance (0 of 4 stars; one submission).

Conditions:
PLXNA2-related disorder. Also called: PLXNA2-related condition.

Allele frequency attached by ClinVar (database versions not stated): gnomAD exomes below 0.00001; gnomAD 0.00001; TOPMed 0.00002.
gnomAD v4.1: 4 of 1,614,026 alleles (0.00025%); highest among the groups gnomAD compares: Non-Finnish European, 0.00034%; no homozygotes.

Submission:

PreventionGenetics, part of Exact Sciences
Classification: Uncertain significance for PLXNA2-related condition. Last evaluated: 2024-01-08. Review status: no assertion criteria provided. Collection method: clinical testing. Allele origin: germline.
Comment: The PLXNA2 c.601C>T variant is predicted to result in the amino acid substitution p.Arg201Trp. To our knowledge, this variant has not been reported in the literature or in a large population database, indicating this variant is rare. At this time, the clinical significance of this variant is uncertain due to the absence of conclusive functional and genetic evidence.

NM_025179.4(PLXNA2):c.601C>T (p.Arg201Trp)

Gene: PLXNA2 (plexin A2; minus strand). Cytogenetic location: 1q32.2.
Variant type: single nucleotide variant.
Coding change: c.601C>T on transcript NM_025179.4 (MANE Select); coding-DNA position 601, C replaced by T.
Protein change: p.Arg201Trp; replaces arginine 201 with tryptophan.
Molecular consequence: missense variant.
Genome position (GRCh38, 1-based): chr1:208,217,322, G>A on the plus strand (C>T on the coding strand, the complement: PLXNA2 is on the minus strand). VCF-style: chr1-208217322-G-A. GRCh37 (hg19) VCF-style: chr1-208390667-G-A.
Other names: short protein forms R201W.
Identifiers: ClinVar variation 2631972 (VCV002631972.3), dbSNP rs1466791865, ClinGen allele CA344559215.